The following is an entry in ClinVar:

NM_005267.5(GJA8):c.969C>T (p.Tyr323=)

Gene: GJA8 (gap junction protein alpha 8; plus strand). Cytogenetic location: 1q21.2.
Variant type: single nucleotide variant.
Coding change: c.969C>T on transcript NM_005267.5 (MANE Select); coding-DNA position 969, C replaced by T.
Protein change: p.Tyr323=; no amino-acid change (tyrosine 323 retained).
Molecular consequence: synonymous variant.
Genome position (GRCh38, 1-based): chr1:147,908,924, C>T. VCF-style: chr1-147908924-C-T. GRCh37 (hg19) VCF-style: chr1-147381051-C-T.
Identifiers: ClinVar variation 4989145 (VCV004989145.1).

ClinVar aggregate classification (germline): Likely benign (1 of 4 stars; one submission).

Conditions:
GJA8-related disorder. Also called: GJA8-related condition.

gnomAD v4.1: 42 of 1,611,904 alleles (0.0026%); highest among the groups gnomAD compares: Admixed American, 0.0084%; no homozygotes.

Submission:

PreventionGenetics, part of Exact Sciences
Classification: Likely benign for GJA8-related condition. Last evaluated: 2026-09-15. Review status: criteria provided, single submitter. Criteria: ACMG Guidelines, 2015. Collection method: clinical testing. Allele origin: germline.
Comment: This variant is classified as likely benign based on ACMG/AMP sequence variant interpretation guidelines (Richards et al. 2015 PMID: 25741868, with internal and published modifications).